The following is an entry in ClinVar:

ClinVar aggregate classification (germline): Pathogenic (1 of 4 stars; one submission).

Submission:

Labcorp Genetics (formerly Invitae), Labcorp
Classification: Pathogenic. Last evaluated: 2021-10-13. Review status: criteria provided, single submitter. Criteria: Invitae Variant Classification Sherloc (09022015). Collection method: clinical testing. Allele origin: germline.
Comment: For these reasons, this variant has been classified as Pathogenic. This variant has not been reported in the literature in individuals affected with CREB3L3-related conditions. This variant is a gross deletion of the genomic region encompassing exon(s) 1-7 of the CREB3L3 gene, which includes the initiator codon. This deletion extends beyond the assayed region for this gene and therefore may encompass additional genes. It is expected to result in an absent or disrupted protein product. Loss-of-function variants in CREB3L3 are known to be pathogenic (PMID: 21666694, 26427795).

Literature cited by the submitters: PubMed 21666694; PubMed 26427795.

NC_000019.9:g.(?_4153745)_(4170205_?)del

Gene: CREB3L3 (cAMP responsive element binding protein 3 like 3; plus strand). Cytogenetic location: 19p13.3.
Variant type: Deletion.
Identifiers: ClinVar variation 1459713 (VCV001459713.5).